The following is an entry in ClinVar:

NM_199135.4(FOXD4L3):c.696C>T (p.Arg232=)

Gene: FOXD4L3 (forkhead box D4 like 3; plus strand). Cytogenetic location: 9q21.11.
Variant type: single nucleotide variant.
Coding change: c.696C>T on transcript NM_199135.4 (MANE Select); coding-DNA position 696, C replaced by T.
Protein change: p.Arg232=; no amino-acid change (arginine 232 retained).
Molecular consequence: synonymous variant.
Genome position (GRCh38, 1-based): chr9:68,303,647, C>T. VCF-style: chr9-68303647-C-T. GRCh37 (hg19) VCF-style: chr9-70918563-C-T.
Identifiers: ClinVar variation 2659235 (VCV002659235.24), dbSNP rs201919849, ClinGen allele CA193325104.
Genomic context (GRCh38, chr9:68,303,647, plus strand): 5'-AGCCCACCTGCCCCACCCCTTCCCTCTACCTGCTGCACACGCCGCCCTGCACAACCCCCG[C>T]CCAGGCCCTCTGCTTGGGGCCCCTGCCCCGCCGCAGCCAGTCCCGGGGGCCTACCCCAAC-3'
Protein context (NP_954586.4, residues 222-242): PAAHAALHNP[Arg232=]PGPLLGAPAP

ClinVar aggregate classification (germline): Likely benign (1 of 4 stars; one submission).

Allele frequency attached by ClinVar (database versions not stated): gnomAD 0.00062.

Submission:

CeGaT Center for Human Genetics Tuebingen
Classification: Likely benign. Last evaluated: 2023-01-01. Review status: criteria provided, single submitter. Criteria: CeGaT Center For Human Genetics Tuebingen Variant Classification Criteria Version 2. Collection method: clinical testing. Allele origin: germline. Affected: yes. Observed: 1 variant allele.
Comment: FOXD4L3: BP4, BP7